The following is an entry in ClinVar:

NM_000321.3(RB1):c.2199dup (p.Ala734fs)

Gene: RB1 (RB transcriptional corepressor 1; plus strand). Cytogenetic location: 13q14.2.
Variant type: Duplication.
Coding change: c.2199dup on transcript NM_000321.3 (MANE Select); coding-DNA position 2199, one base duplicated (T; older notation c.2199dupT).
Protein change: p.Ala734fs; shifts the reading frame from alanine 734.
Molecular consequence: frameshift variant.
Genome position (GRCh38, 1-based): chr13:48,463,823, T duplicated. VCF-style (leftmost placement, unchanged base first): chr13-48463822-A-AT. GRCh37 (hg19) VCF-style: chr13-49037958-A-AT.
Other names: c.2199dup, p.Ala734fs (NM_001407165.1); short protein forms A734fs.
Identifiers: ClinVar variation 3237075 (VCV003237075.1), dbSNP rs2542373788.
Genomic context (GRCh38, chr13:48,463,822, plus strand): 5'-AAGTGAAGAATATAGACCTTAAATTCAAAATCATTGTAACAGCATACAAGGATCTTCCTC[A>AT]TGCTGTTCAGGAGGTAGGTAATTTTCCATAGTAAGTTTTTTTGATAAATCCATATCCATA-3'

ClinVar aggregate classification (germline): Pathogenic (1 of 4 stars; one submission).

Conditions:
Retinoblastoma (RB1). Also called: RETINOBLASTOMA, SOMATIC. Identifiers: Orphanet 790, MedGen C0035335, MeSH D012175, MONDO:0008380, OMIM 180200, HP:0009919. Disease mechanism: loss of function. Inheritance: Both sporadic and heritable forms are tested..

Submission:

Genetic Diagnostic Laboratory, University of Pennsylvania School of Medicine
Classification: Pathogenic for Retinoblastoma. Last evaluated: 2024-05-20. Review status: criteria provided, single submitter. Criteria: ACMG Guidelines, 2015. Collection method: clinical testing. Allele origin: germline. Affected: yes. Observed: 1 variant allele.
Comment: Case and Pedigree Information: BILATERAL CASES:1, UNILATERAL CASES:0, TOTAL CASES:1, PEDIGREES:1. ACMG Codes Applied:PVS1, PM2